The following is an entry in ClinVar:

ClinVar aggregate classification (germline): Uncertain significance. Review status: criteria provided, multiple submitters, no conflicts (2 of 4 stars). 4 submissions from 4 submitters: Uncertain significance (4). Last evaluated 2024-04-15.

Conditions:
Inborn genetic diseases. Identifiers: MedGen C0950123, MeSH D030342.
Platelet abnormalities with eosinophilia and immune-mediated inflammatory disease. Also called: IMMUNODEFICIENCY 71 WITH INFLAMMATORY DISEASE AND CONGENITAL THROMBOCYTOPENIA. Identifiers: MedGen C4540232, MONDO:0060583, OMIM 617718.

gnomAD v4.1: 31 of 1,614,124 alleles (0.0019%); highest among the groups gnomAD compares: East Asian, 0.013%; no homozygotes.

Submissions (4):

Fulgent Genetics
Classification: Uncertain significance for Platelet abnormalities with eosinophilia and immune-mediated inflammatory disease. Last evaluated: 2024-04-15. Review status: criteria provided, single submitter. Criteria: ACMG Guidelines, 2015. Collection method: clinical testing. Allele origin: germline.

Blueprint Genetics
Classification: Uncertain significance. Last evaluated: 2024-01-24. Review status: criteria provided, single submitter. Criteria: ACMG Guidelines, 2015. Collection method: clinical testing. Allele origin: germline.

Ambry Genetics
Classification: Uncertain significance for Inborn genetic diseases. Last evaluated: 2023-06-21. Review status: criteria provided, single submitter. Criteria: Ambry Variant Classification Scheme 2023. Collection method: clinical testing. Allele origin: germline.

Labcorp Genetics (formerly Invitae), Labcorp
Classification: Uncertain significance. Last evaluated: 2022-07-19. Review status: criteria provided, single submitter. Criteria: Invitae Variant Classification Sherloc (09022015). Collection method: clinical testing. Allele origin: germline.
Comment: This sequence change replaces glycine, which is neutral and non-polar, with serine, which is neutral and polar, at codon 39 of the ARPC1B protein (p.Gly39Ser). This variant is present in population databases (rs148509279, gnomAD 0.05%). This variant has not been reported in the literature in individuals affected with ARPC1B-related conditions. ClinVar contains an entry for this variant (Variation ID: 1386167). Algorithms developed to predict the effect of missense changes on protein structure and function are either unavailable or do not agree on the potential impact of this missense change (SIFT: "Tolerated"; PolyPhen-2: "Possibly Damaging"; Align-GVGD: "Class C0"). In summary, the available evidence is currently insufficient to determine the role of this variant in disease. Therefore, it has been classified as a Variant of Uncertain Significance.

NM_005720.4(ARPC1B):c.115G>A (p.Gly39Ser)

Gene: ARPC1B (actin related protein 2/3 complex subunit 1B; plus strand). Cytogenetic location: 7q22.1.
Variant type: single nucleotide variant.
Coding change: c.115G>A on transcript NM_005720.4 (MANE Select); coding-DNA position 115, G replaced by A.
Protein change: p.Gly39Ser; replaces glycine 39 with serine.
Molecular consequence: missense variant.
Genome position (GRCh38, 1-based): chr7:99,386,735, G>A. VCF-style: chr7-99386735-G-A. GRCh37 (hg19) VCF-style: chr7-98984358-G-A.
Other names: c.115G>A (NM_005720.3); short protein forms G39S.
Identifiers: ClinVar variation 1386167 (VCV001386167.7), dbSNP rs148509279, ClinGen allele CA4363905.